The following is an entry in ClinVar:

ClinVar aggregate classification (germline): Uncertain significance (1 of 4 stars; one submission).

gnomAD v4.1: 28 of 1,614,148 alleles (0.0017%); highest among the groups gnomAD compares: Non-Finnish European, 0.0023%; no homozygotes.

Submission:

Labcorp Genetics (formerly Invitae), Labcorp
Classification: Uncertain significance. Last evaluated: 2025-08-07. Review status: criteria provided, single submitter. Criteria: Invitae Variant Classification Sherloc (09022015). Collection method: clinical testing. Allele origin: germline.
Comment: This sequence change replaces histidine, which is basic and polar, with asparagine, which is neutral and polar, at codon 599 of the GHR protein (p.His599Asn). This variant is present in population databases (rs144782781, gnomAD 0.002%). This variant has not been reported in the literature in individuals affected with GHR-related conditions. Invitae Evidence Modeling of protein sequence and biophysical properties (such as structural, functional, and spatial information, amino acid conservation, physicochemical variation, residue mobility, and thermodynamic stability) indicates that this missense variant is not expected to disrupt GHR protein function with a negative predictive value of 80%. In summary, the available evidence is currently insufficient to determine the role of this variant in disease. Therefore, it has been classified as a Variant of Uncertain Significance.

NM_000163.5(GHR):c.1795C>A (p.His599Asn)

Gene: GHR (growth hormone receptor; plus strand). Cytogenetic location: 5p12.
Variant type: single nucleotide variant.
Coding change: c.1795C>A on transcript NM_000163.5 (MANE Select); coding-DNA position 1795, C replaced by A.
Protein change: p.His599Asn; replaces histidine 599 with asparagine.
Molecular consequence: missense variant. On other transcripts: 3 prime UTR variant (1).
Genome position (GRCh38, 1-based): chr5:42,719,302, C>A. VCF-style: chr5-42719302-C-A. GRCh37 (hg19) VCF-style: chr5-42719404-C-A.
Other names: c.1816C>A, p.His606Asn (NM_001242399.2); c.1795C>A, p.His599Asn (NM_001242400.2, NM_001242401.4, NM_001242402.2 and 4 more transcripts); c.1729C>A, p.His577Asn (NM_001242460.2); c.*837C>A (NM_001242462.1); short protein forms H599N, H577N, H606N.
Identifiers: ClinVar variation 4747862 (VCV004747862.1).
Genomic context (GRCh38, chr5:42,719,302, plus strand): 5'-CCTGGGACAGGAGAACATGTTCCAGGTTCTGAGATGCCTGTCCCAGACTATACCTCCATT[C>A]ATATAGTACAGTCCCCACAGGGCCTCATACTCAATGCGACTGCCTTGCCCTTGCCTGACA-3'
Protein context (NP_000154.1, residues 589-609): EMPVPDYTSI[His599Asn]IVQSPQGLIL